The following is an entry in ClinVar:

ClinVar aggregate classification (germline): Uncertain significance. Review status: criteria provided, multiple submitters, no conflicts (2 of 4 stars). 2 submissions from 2 submitters: Uncertain significance (2). Last evaluated 2026-05-06.

Conditions:
Kabuki syndrome. Also called: Kabuki make-up syndrome; NIIKAWA-KUROKI SYNDROME. Identifiers: Orphanet 2322, MedGen C0796004, MONDO:0016512.
KMT2D-related disorder. Also called: KMT2D-Related Disorders.

Submissions (2):

PreventionGenetics, part of Exact Sciences
Classification: Uncertain significance for KMT2D-related condition. Last evaluated: 2026-05-06. Review status: criteria provided, single submitter. Criteria: ACMG Guidelines, 2015. Collection method: clinical testing. Allele origin: germline.
Comment: The KMT2D c.12509_12510delinsTG variant is predicted to result in an in-frame deletion and insertion. To our knowledge, this variant has not been reported in the literature. In gnomAD, the c.12509_12510delinsTG variant appears as two separate allele calls (c.12509C>T and c.12510A>G), but the two variants are reported to occur in cis (on the same allele) in three individuals (gnomAD). At this time, the clinical significance of this variant is uncertain due to the absence of conclusive functional and genetic evidence.

Labcorp Genetics (formerly Invitae), Labcorp
Classification: Uncertain significance for Kabuki syndrome. Last evaluated: 2025-12-26. Review status: criteria provided, single submitter. Criteria: Invitae Variant Classification Sherloc (09022015). Collection method: clinical testing. Allele origin: germline.
Comment: This sequence change replaces proline, which is neutral and non-polar, with leucine, which is neutral and non-polar, at codon 4170 of the KMT2D protein (p.Pro4170Leu). The frequency data for this variant in the population databases is considered unreliable, as metrics indicate poor data quality at this position in the gnomAD database. This variant has not been reported in the literature in individuals affected with KMT2D-related conditions. This missense change has been observed in at least one individual who was not affected with KMT2D-related conditions (internal data). ClinVar contains an entry for this variant (Variation ID: 2914646). Experimental studies and prediction algorithms are not available or were not evaluated, and the functional significance of this variant is currently unknown. In summary, the available evidence is currently insufficient to determine the role of this variant in disease. Therefore, it has been classified as a Variant of Uncertain Significance.

NM_003482.4(KMT2D):c.12509_12510inv (p.Pro4170Leu)

Gene: KMT2D (lysine methyltransferase 2D; minus strand). Cytogenetic location: 12q13.12.
Variant type: Inversion.
Coding change: c.12509_12510inv on transcript NM_003482.4 (MANE Select).
Protein change: p.Pro4170Leu; replaces proline 4170 with leucine.
Molecular consequence: missense variant.
Genome position: GRCh38 VCF-style: chr12-49032195-TG-CA. GRCh37 (hg19) VCF-style: chr12-49425978-TG-CA.
Other names: c.12509_12510delinsTG (NM_003482.3); short protein forms P4170L.
Identifiers: ClinVar variation 2914646 (VCV002914646.4), ClinGen allele CA2739271974.